The following is an entry in ClinVar:

NM_018191.4(RCBTB1):c.889A>T (p.Thr297Ser)

Gene: RCBTB1 (RCC1 and BTB domain containing protein 1; minus strand). Cytogenetic location: 13q14.2.
Variant type: single nucleotide variant.
Coding change: c.889A>T on transcript NM_018191.4 (MANE Select); coding-DNA position 889, A replaced by T.
Protein change: p.Thr297Ser; replaces threonine 297 with serine.
Molecular consequence: missense variant. On other transcripts: non-coding transcript variant (2).
Genome position (GRCh38, 1-based): chr13:49,549,614, T>A on the plus strand (A>T on the coding strand, the complement: RCBTB1 is on the minus strand). VCF-style: chr13-49549614-T-A. GRCh37 (hg19) VCF-style: chr13-50123750-T-A.
Other names: c.889A>T, p.Thr297Ser (NM_001352500.2, NM_001352501.2, NM_001352502.2 and 3 more transcripts); c.310A>T, p.Thr104Ser (NM_001352506.2); short protein forms T297S, T104S.
Identifiers: ClinVar variation 1508969 (VCV001508969.8), dbSNP rs2139171401, ClinGen allele CA388189930.

ClinVar aggregate classification (germline): Uncertain significance (1 of 4 stars; one submission).

Submission:

Labcorp Genetics (formerly Invitae), Labcorp
Classification: Uncertain significance. Last evaluated: 2021-02-11. Review status: criteria provided, single submitter. Criteria: Invitae Variant Classification Sherloc (09022015). Collection method: clinical testing. Allele origin: germline.
Comment: In summary, the available evidence is currently insufficient to determine the role of this variant in disease. Therefore, it has been classified as a Variant of Uncertain Significance. Algorithms developed to predict the effect of missense changes on protein structure and function (SIFT, PolyPhen-2, Align-GVGD) all suggest that this variant is likely to be tolerated, but these predictions have not been confirmed by published functional studies and their clinical significance is uncertain. This variant has not been reported in the literature in individuals with RCBTB1-related conditions. This variant is not present in population databases (ExAC no frequency). This sequence change replaces threonine with serine at codon 297 of the RCBTB1 protein (p.Thr297Ser). The threonine residue is highly conserved and there is a small physicochemical difference between threonine and serine.